The following is an entry in ClinVar:

NM_020708.5(SLC12A5):c.2259C>T (p.Gly753=)

Gene: SLC12A5 (solute carrier family 12 member 5; plus strand). Cytogenetic location: 20q13.12.
Variant type: single nucleotide variant.
Coding change: c.2259C>T on transcript NM_020708.5 (MANE Select); coding-DNA position 2259, C replaced by T.
Protein change: p.Gly753=; no amino-acid change (glycine 753 retained).
Molecular consequence: synonymous variant.
Genome position (GRCh38, 1-based): chr20:46,051,752, C>T. VCF-style: chr20-46051752-C-T. GRCh37 (hg19) VCF-style: chr20-44680391-C-T.
Other names: c.2328C>T, p.Gly776= (NM_001134771.2).
Identifiers: ClinVar variation 935959 (VCV000935959.44), dbSNP rs764791575, ClinGen allele CA9887560.
Genomic context (GRCh38, chr20:46,051,752, plus strand): 5'-GGAGGCAGAGAAGGTGAAGGGCTTCTGCCAGGTGGTGATCTCCTCCAACTTGCGTGATGG[C>T]GTGTCCCATCTGATCCAGTCCGGGGGCCTCGGGGGGCTGCAGCACAACACTGTGCTTGTT-3'
Protein context (NP_065759.1, residues 743-763): QVVISSNLRD[Gly753=]VSHLIQSGGL

ClinVar aggregate classification (germline): Conflicting classifications of pathogenicity. Review status: criteria provided, conflicting classifications (1 of 4 stars). 3 submissions from 3 submitters: Uncertain significance (1); Likely benign (2). Last evaluated 2025-07-21.

Conditions:
Developmental and epileptic encephalopathy, 34 (DEE34). Also called: Early infantile epileptic encephalopathy 34; SLC12A5-Related Epilepsy of Infancy with Migrating Focal Seizures. Identifiers: Orphanet 293181, MedGen C4225257, MONDO:0014718, OMIM 616645.

Allele frequency attached by ClinVar (database versions not stated): gnomAD exomes 0.00002; TOPMed 0.00002; ExAC 0.00003.
gnomAD v4.1: 4 of 1,611,110 alleles (0.00025%); highest among the groups gnomAD compares: South Asian, 0.0022%; no homozygotes.

Submissions (3):

Women's Health and Genetics/Laboratory Corporation of America, LabCorp
Classification: Uncertain significance. Last evaluated: 2025-07-21. Review status: criteria provided, single submitter. Criteria: LabCorp Variant Classification Summary - May 2015. Collection method: clinical testing. Allele origin: germline.
Comment: Variant summary: SLC12A5 c.2328C>T alters a conserved nucleotide resulting in a synonymous change. Several computational tools predict a significant impact on normal splicing: Four predict the variant creates a cryptic 5' donor site. However, these predictions have yet to be confirmed by functional studies. The variant allele was found at a frequency of 2e-05 in 247984 control chromosomes. The available data on variant occurrences in the general population are insufficient to allow any conclusion about variant significance. To our knowledge, no occurrence of c.2328C>T in individuals affected with Developmental And Epileptic Encephalopathy, 34 and no experimental evidence demonstrating its impact on protein function have been reported. ClinVar contains an entry for this variant (Variation ID: 935959). Based on the evidence outlined above, the variant was classified as uncertain significance.

Labcorp Genetics (formerly Invitae), Labcorp
Classification: Likely benign for Developmental and epileptic encephalopathy, 34. Last evaluated: 2025-06-18. Review status: criteria provided, single submitter. Criteria: Invitae Variant Classification Sherloc (09022015). Collection method: clinical testing. Allele origin: germline.

CeGaT Center for Human Genetics Tuebingen
Classification: Likely benign. Last evaluated: 2021-04-01. Review status: criteria provided, single submitter. Criteria: CeGaT Center For Human Genetics Tuebingen Variant Classification Criteria Version 2. Collection method: clinical testing. Allele origin: germline. Affected: yes. Observed: 1 variant allele.